The following is an entry in ClinVar:

NM_000719.7(CACNA1C):c.5674_5675delinsCT (p.Ser1892Leu)

Genes: CACNA1C (calcium voltage-gated channel subunit alpha1 C; plus strand), CACNA1C-AS1 (CACNA1C antisense RNA 1; minus strand). Cytogenetic location: 12p13.33.
Variant type: Indel.
Coding change: c.5674_5675delinsCT on transcript NM_000719.7 (MANE Select); coding-DNA positions 5674 to 5675, TC replaced by CT.
Protein change: p.Ser1892Leu; replaces serine 1892 with leucine.
Molecular consequence: missense variant.
Genome position (GRCh38, 1-based): chr12:2,685,836-2,685,837, TC replaced by CT. VCF-style: chr12-2685836-TC-CT. GRCh37 (hg19) VCF-style: chr12-2795002-TC-CT.
Other names: c.5818_5819delinsCT, p.Ser1940Leu (NM_001129827.2); c.5797_5798delinsCT, p.Ser1933Leu (NM_001129829.2); c.5779_5780delinsCT, p.Ser1927Leu (NM_001129830.3, NM_001167624.3); c.5758_5759delinsCT, p.Ser1920Leu (NM_001129831.2); c.5734_5735delinsCT, p.Ser1912Leu (NM_001129832.2); c.5731_5732delinsCT, p.Ser1911Leu (NM_001129833.2, NM_001129834.2, NM_001129835.2); c.5725_5726delinsCT, p.Ser1909Leu (NM_001129836.2); c.5698_5699delinsCT, p.Ser1900Leu (NM_001129837.2, NM_001129838.2); and 6 more; short protein forms S1881L, S1892L, S1900L, S1909L, S1920L, S1952L, S1933L, S1898L.
Identifiers: ClinVar variation 4730540 (VCV004730540.1).
Genomic context (GRCh38, chr12:2,685,836, plus strand): 5'-CCAGAGGAGGACAAGAGGGACATCCGGCAATCTCCGAAGAGGGGTTTCCTCCGCTCTGCC[TC>CT]ACTAGGTAAATGCACCGCTCGCTCTCTGGATGTGGTCGGCGGTTACTCCCTAGAGAACAC-3'
Protein context (NP_000710.5, residues 1882-1902): SPKRGFLRSA[Ser1892Leu]LGRRASFHLE

ClinVar aggregate classification (germline): Uncertain significance (1 of 4 stars; one submission).

Conditions:
Long QT syndrome (LQTS). Identifiers: MedGen C0023976, MeSH D008133, MONDO:0002442. Disease mechanism: loss of function. Inheritance: Various modes of inheritance.

Submission:

Labcorp Genetics (formerly Invitae), Labcorp
Classification: Uncertain significance for Long QT syndrome. Last evaluated: 2025-11-05. Review status: criteria provided, single submitter. Criteria: Invitae Variant Classification Sherloc (09022015). Collection method: clinical testing. Allele origin: germline.
Comment: This sequence change replaces serine, which is neutral and polar, with leucine, which is neutral and non-polar, at codon 1892 of the CACNA1C protein (p.Ser1892Leu). Information on the frequency of this variant in the gnomAD database is not available, as this variant may be reported differently in the database. This variant has not been reported in the literature in individuals affected with CACNA1C-related conditions. An algorithm developed to predict the effect of missense changes on protein structure and function (PolyPhen-2) suggests that this variant is likely to be tolerated. In summary, the available evidence is currently insufficient to determine the role of this variant in disease. Therefore, it has been classified as a Variant of Uncertain Significance.